The following is an entry in ClinVar:

ClinVar aggregate classification (germline): Uncertain significance (1 of 4 stars; one submission).

Submission:

Labcorp Genetics (formerly Invitae), Labcorp
Classification: Uncertain significance. Last evaluated: 2022-06-10. Review status: criteria provided, single submitter. Criteria: Invitae Variant Classification Sherloc (09022015). Collection method: clinical testing. Allele origin: germline.
Comment: In summary, the available evidence is currently insufficient to determine the role of this variant in disease. Therefore, it has been classified as a Variant of Uncertain Significance. Algorithms developed to predict the effect of missense changes on protein structure and function (SIFT, PolyPhen-2, Align-GVGD) all suggest that this variant is likely to be tolerated. This variant has not been reported in the literature in individuals affected with CACNA1D-related conditions. This variant is not present in population databases (gnomAD no frequency). This sequence change replaces lysine, which is basic and polar, with asparagine, which is neutral and polar, at codon 503 of the CACNA1D protein (p.Lys503Asn).

NM_000720.4(CACNA1D):c.1509G>C (p.Lys503Asn)

Gene: CACNA1D (calcium voltage-gated channel subunit alpha1 D; plus strand). Cytogenetic location: 3p21.1.
Variant type: single nucleotide variant.
Coding change: c.1509G>C on transcript NM_000720.4 (MANE Plus Clinical); coding-DNA position 1509, G replaced by C.
Protein change: p.Lys503Asn; replaces lysine 503 with asparagine.
Molecular consequence: missense variant. On other transcripts: intron variant (2).
Genome position (GRCh38, 1-based): chr3:53,718,712, G>C. VCF-style: chr3-53718712-G-C. GRCh37 (hg19) VCF-style: chr3-53752739-G-C.
Other names: c.1478+324G>C (NM_001128840.3, NM_001128839.3); short protein forms K503N.
Identifiers: ClinVar variation 2004266 (VCV002004266.4), dbSNP rs2473640713, ClinGen allele CA353236157.